The following is an entry in ClinVar:

NM_000059.4(BRCA2):c.7007+3614G>C

Gene: BRCA2 (BRCA2 DNA repair associated; plus strand). Cytogenetic location: 13q13.1.
Variant type: single nucleotide variant.
Coding change: c.7007+3614G>C on transcript NM_000059.4 (MANE Select); 3614 bases into the intron after coding-DNA position 7007, G replaced by C.
Molecular consequence: intron variant.
Genome position (GRCh38, 1-based): chr13:32,350,510, G>C. VCF-style: chr13-32350510-G-C. GRCh37 (hg19) VCF-style: chr13-32924647-G-C.
Other names: IVS 13+3614G>C.
Identifiers: ClinVar variation 209737 (VCV000209737.1), dbSNP rs9567582, ClinGen allele CA276705.
Genomic context (GRCh38, chr13:32,350,510, plus strand): 5'-TATATACTACCCATTAATGGCCGGGTGTGGTGGTTCACGCCTGTAATCCCAGCACTTTGG[G>C]AGGCCGAGGCGGGTGGATCACAAGGTCAGGAGATCGAGACCATCCTGGCTAACATGGTGA-3'

ClinVar aggregate classification (germline): Benign (3 of 4 stars; one submission).

Conditions:
Breast-ovarian cancer, familial, susceptibility to, 2 (BROVCA2). Also called: BRCA2 Hereditary Breast and Ovarian Cancer. Identifiers: Orphanet 145, MedGen C2675520, MONDO:0012933, OMIM 612555. Disease mechanism: loss of function.

Allele frequency attached by ClinVar (database versions not stated): 1000 Genomes Project 30x 0.25828; 1000 Genomes Project 0.26617; TOPMed 0.27178; gnomAD 0.28069 and 0.28290.
gnomAD v4.1: 42,878 of 151,988 alleles (28%); highest among the groups gnomAD compares: East Asian, 39%; 6,229 homozygotes.

Submission:

Evidence-based Network for the Interpretation of Germline Mutant Alleles (ENIGMA)
Classification: Benign for Breast-ovarian cancer, familial 2. Last evaluated: 2015-01-12. Review status: reviewed by expert panel. Criteria: ENIGMA BRCA1/2 Classification Criteria (2015). Collection method: curation. Allele origin: germline.
Comment: Class 1 not pathogenic based on frequency >1% in an outbred sampleset. Frequency 0.3864 (Asian), 0.1707 (African), 0.2929 (European), derived from 1000 genomes (2012-04-30).